The following is an entry in ClinVar:

ClinVar aggregate classification (germline): Uncertain significance (1 of 4 stars; one submission).

Conditions:
Left ventricular noncompaction 1 (LVNC1). Also called: LEFT VENTRICULAR NONCOMPACTION 1 WITH OR WITHOUT CONGENITAL HEART DEFECTS. Identifiers: Orphanet 54260, MedGen C1858725, MONDO:0011403, OMIM 604169.

Allele frequency attached by ClinVar (database versions not stated): gnomAD exomes below 0.00001.
gnomAD v4.1: 2 of 1,613,634 alleles (0.00012%); highest among the groups gnomAD compares: Non-Finnish European, 0.00017%; no homozygotes.

Submission:

Labcorp Genetics (formerly Invitae), Labcorp
Classification: Uncertain significance for Left ventricular noncompaction 1. Last evaluated: 2025-06-29. Review status: criteria provided, single submitter. Criteria: Invitae Variant Classification Sherloc (09022015). Collection method: clinical testing. Allele origin: germline.
Comment: This sequence change replaces leucine, which is neutral and non-polar, with valine, which is neutral and non-polar, at codon 50 of the DTNA protein (p.Leu50Val). This variant is not present in population databases (gnomAD no frequency). This variant has not been reported in the literature in individuals affected with DTNA-related conditions. ClinVar contains an entry for this variant (Variation ID: 466627). An algorithm developed to predict the effect of missense changes on protein structure and function (PolyPhen-2) suggests that this variant is likely to be tolerated. In summary, the available evidence is currently insufficient to determine the role of this variant in disease. Therefore, it has been classified as a Variant of Uncertain Significance.

NM_001386795.1(DTNA):c.148T>G (p.Leu50Val)

Genes: DTNA-AS1 (DTNA antisense RNA 1; minus strand), DTNA (dystrobrevin alpha; plus strand). Cytogenetic location: 18q12.1.
Variant type: single nucleotide variant.
Coding change: c.148T>G on transcript NM_001386795.1 (MANE Select); coding-DNA position 148, T replaced by G.
Protein change: p.Leu50Val; replaces leucine 50 with valine.
Molecular consequence: missense variant.
Genome position (GRCh38, 1-based): chr18:34,766,041, T>G. VCF-style: chr18-34766041-T-G. GRCh37 (hg19) VCF-style: chr18-32346005-T-G.
Other names: c.148T>G, p.Leu50Val (NM_001128175.2, NM_001198938.2, NM_001198939.2 and 35 more transcripts); short protein forms L50V.
Identifiers: ClinVar variation 466627 (VCV000466627.10), dbSNP rs1555778803, ClinGen allele CA402274745.